The following is an entry in ClinVar:

ClinVar aggregate classification (germline): Pathogenic (1 of 4 stars; one submission).

Conditions:
Argininosuccinate lyase deficiency. Also called: Argininosuccinic aciduria; ARGININOSUCCINIC ACID LYASE DEFICIENCY; ASL DEFICIENCY. Identifiers: Orphanet 23, MedGen C0268547, MONDO:0008815, OMIM 207900, HP:0025630.

Submission:

Labcorp Genetics (formerly Invitae), Labcorp
Classification: Pathogenic for Argininosuccinate lyase deficiency. Last evaluated: 2022-09-23. Review status: criteria provided, single submitter. Criteria: Invitae Variant Classification Sherloc (09022015). Collection method: clinical testing. Allele origin: germline.
Comment: This sequence change replaces aspartic acid, which is acidic and polar, with histidine, which is basic and polar, at codon 423 of the ASL protein (p.Asp423His). This variant is not present in population databases (gnomAD no frequency). This missense change has been observed in individual(s) with argininosuccinate lyase deficiency (PMID: 20236848). Advanced modeling of protein sequence and biophysical properties (such as structural, functional, and spatial information, amino acid conservation, physicochemical variation, residue mobility, and thermodynamic stability) performed at Invitae indicates that this missense variant is expected to disrupt ASL protein function. This variant disrupts the p.Asp423 amino acid residue in ASL. Other variant(s) that disrupt this residue have been observed in individuals with ASL-related conditions (PMID: 31943503), which suggests that this may be a clinically significant amino acid residue. For these reasons, this variant has been classified as Pathogenic.

Literature cited by the submitters: PubMed 20236848; PubMed 31943503.

NM_000048.4(ASL):c.1267G>C (p.Asp423His)

Gene: ASL (argininosuccinate lyase; plus strand). Cytogenetic location: 7q11.21.
Variant type: single nucleotide variant.
Coding change: c.1267G>C on transcript NM_000048.4 (MANE Select); coding-DNA position 1267, G replaced by C.
Protein change: p.Asp423His; replaces aspartic acid 423 with histidine.
Molecular consequence: missense variant.
Genome position (GRCh38, 1-based): chr7:66,092,784, G>C. VCF-style: chr7-66092784-G-C. GRCh37 (hg19) VCF-style: chr7-65557771-G-C.
Other names: c.1267G>C, p.Asp423His (NM_001024943.2); c.1207G>C, p.Asp403His (NM_001024944.2); c.1189G>C, p.Asp397His (NM_001024946.2); short protein forms D403H, D397H, D423H.
Identifiers: ClinVar variation 2136547 (VCV002136547.4), dbSNP rs778321544, ClinGen allele CA367652567.